The following is an entry in ClinVar:

ClinVar aggregate classification (germline): Uncertain significance (1 of 4 stars; one submission).

gnomAD v4.1: 1 of 1,612,102 alleles (0.000062%); highest among the groups gnomAD compares: Non-Finnish European, 0.000085%; no homozygotes.

Submission:

Labcorp Genetics (formerly Invitae), Labcorp
Classification: Uncertain significance. Last evaluated: 2025-02-02. Review status: criteria provided, single submitter. Criteria: Invitae Variant Classification Sherloc (09022015). Collection method: clinical testing. Allele origin: germline.
Comment: This sequence change replaces serine, which is neutral and polar, with proline, which is neutral and non-polar, at codon 231 of the MS4A1 protein (p.Ser231Pro). This variant is not present in population databases (gnomAD no frequency). This variant has not been reported in the literature in individuals affected with MS4A1-related conditions. An algorithm developed to predict the effect of missense changes on protein structure and function (PolyPhen-2) suggests that this variant is likely to be disruptive. In summary, the available evidence is currently insufficient to determine the role of this variant in disease. Therefore, it has been classified as a Variant of Uncertain Significance.

NM_152866.3(MS4A1):c.691T>C (p.Ser231Pro)

Gene: MS4A1 (membrane spanning 4-domains A1; plus strand). Cytogenetic location: 11q12.2.
Variant type: single nucleotide variant.
Coding change: c.691T>C on transcript NM_152866.3 (MANE Select); coding-DNA position 691, T replaced by C.
Protein change: p.Ser231Pro; replaces serine 231 with proline.
Molecular consequence: missense variant.
Genome position (GRCh38, 1-based): chr11:60,468,265, T>C. VCF-style: chr11-60468265-T-C. GRCh37 (hg19) VCF-style: chr11-60235738-T-C.
Other names: c.691T>C, p.Ser231Pro (NM_021950.4, NM_152867.2); short protein forms S231P.
Identifiers: ClinVar variation 4769171 (VCV004769171.1).
Genomic context (GRCh38, chr11:60,468,265, plus strand): 5'-TCAGTGGTAAAAGTAAAGAATGGTTTGTTTAATTTTCTGTTTTAGAACATAGTTCTCCTG[T>C]CAGCAGAAGAAAAAAAAGAACAGACTATTGAAATAAAAGAAGAAGTGGTTGGGCTAACTG-3'
Protein context (NP_690605.1, residues 221-241): SRPKSNIVLL[Ser231Pro]AEEKKEQTIE